The following is an entry in ClinVar:

ClinVar aggregate classification (germline): Uncertain significance (1 of 4 stars; one submission).

Conditions:
RET-related disorder. Also called: RET-related condition; RET-related disease; RET-related disorders.

Submission:

PreventionGenetics, part of Exact Sciences
Classification: Uncertain significance for RET-related condition. Last evaluated: 2023-08-11. Review status: criteria provided, single submitter. Criteria: ACMG Guidelines, 2015. Collection method: clinical testing. Allele origin: germline.
Comment: The RET c.2994T>G variant is predicted to result in the amino acid substitution p.Phe998Leu. To our knowledge, this variant has not been reported in the literature or in a large population database, indicating this variant is rare. At this time, the clinical significance of this variant is uncertain due to the absence of conclusive functional and genetic evidence.

NM_020975.6(RET):c.2994T>G (p.Phe998Leu)

Gene: RET (ret proto-oncogene; plus strand). Cytogenetic location: 10q11.21.
Variant type: single nucleotide variant.
Coding change: c.2994T>G on transcript NM_020975.6 (MANE Select); coding-DNA position 2994, T replaced by G.
Protein change: p.Phe998Leu; replaces phenylalanine 998 with leucine.
Molecular consequence: missense variant.
Genome position (GRCh38, 1-based): chr10:43,124,937, T>G. VCF-style: chr10-43124937-T-G. GRCh37 (hg19) VCF-style: chr10-43620385-T-G.
Other names: c.2994T>G, p.Phe998Leu (NM_000323.2, NM_001406743.1, NM_001406744.1 and 4 more transcripts); c.2232T>G, p.Phe744Leu (NM_001355216.2); c.2865T>G, p.Phe955Leu (NM_001406761.1, NM_001406762.1, NM_001406764.1); c.2859T>G, p.Phe953Leu (NM_001406763.1, NM_001406765.1); c.2706T>G, p.Phe902Leu (NM_001406766.1, NM_001406767.1, NM_001406770.1); c.2730T>G, p.Phe910Leu (NM_001406768.1); c.2598T>G, p.Phe866Leu (NM_001406769.1, NM_001406772.1); c.2556T>G, p.Phe852Leu (NM_001406771.1, NM_001406773.1); and 10 more; short protein forms F515L, F563L, F603L, F654L, F656L, F659L, F668L, F699L.
Identifiers: ClinVar variation 2630747 (VCV002630747.1), dbSNP rs2538626999, ClinGen allele CA376558148.